The following is an entry in ClinVar:

ClinVar aggregate classification (germline): Uncertain significance. Review status: criteria provided, multiple submitters, no conflicts (2 of 4 stars). 2 submissions from 2 submitters: Uncertain significance (2). Last evaluated 2025-09-20.

Conditions:
Neurofibromatosis, type 1 (NF1). Also called: Neurofibromatosis, type I; VON RECKLINGHAUSEN DISEASE; NEUROFIBROMATOSIS, TYPE I, SOMATIC; Peripheral type neurofibromatosis. Identifiers: Orphanet 636, MedGen C0027831, MONDO:0018975, OMIM 162200. Disease mechanism: loss of function.

Submissions (2):

Labcorp Genetics (formerly Invitae), Labcorp
Classification: Uncertain significance for Neurofibromatosis, type 1. Last evaluated: 2025-09-20. Review status: criteria provided, single submitter. Criteria: Invitae Variant Classification Sherloc (09022015). Collection method: clinical testing. Allele origin: germline.
Comment: This sequence change replaces threonine, which is neutral and polar, with proline, which is neutral and non-polar, at codon 1286 of the NF1 protein (p.Thr1286Pro). This variant is not present in population databases (gnomAD no frequency). This variant has not been reported in the literature in individuals affected with NF1-related conditions. ClinVar contains an entry for this variant (Variation ID: 3634542). Invitae Evidence Modeling of protein sequence and biophysical properties (such as structural, functional, and spatial information, amino acid conservation, physicochemical variation, residue mobility, and thermodynamic stability) indicates that this missense variant is expected to disrupt NF1 protein function with a positive predictive value of 95%. In summary, the available evidence is currently insufficient to determine the role of this variant in disease. Therefore, it has been classified as a Variant of Uncertain Significance.

3billion
Classification: Uncertain significance for Neurofibromatosis, type 1. Last evaluated: 2025-07-28. Review status: criteria provided, single submitter. Criteria: ACMG Guidelines, 2015. Collection method: clinical testing. Allele origin: germline. Affected: yes.
Comment: The variant is not observed in the gnomAD v4.1.0 dataset. Predicted Consequence/Location: Missense variant In silico tool predictions suggest damaging effect of the variant on gene or gene product [REVEL: 0.78 (>=0.6, sensitivity 0.68 and specificity 0.92)]. The variant has been reported as of uncertain significance (ClinVar ID: VCV003634542). Different missense changes at the same codon have been reported as of uncertain significance (ClinVar ID: VCV000404501). Therefore, this variant is classified as VUS according to the recommendation of ACMG/AMP guideline.

NM_001042492.3(NF1):c.3856A>C (p.Thr1286Pro)

Gene: NF1 (neurofibromin 1; plus strand). Cytogenetic location: 17q11.2.
Variant type: single nucleotide variant.
Coding change: c.3856A>C on transcript NM_001042492.3 (MANE Select); coding-DNA position 3856, A replaced by C.
Protein change: p.Thr1286Pro; replaces threonine 1286 with proline.
Molecular consequence: missense variant.
Genome position (GRCh38, 1-based): chr17:31,235,758, A>C. VCF-style: chr17-31235758-A-C. GRCh37 (hg19) VCF-style: chr17-29562776-A-C.
Other names: c.3856A>C, p.Thr1286Pro (NM_000267.4); short protein forms T1286P.
Identifiers: ClinVar variation 3634542 (VCV003634542.3).